The following is an entry in ClinVar:

NM_139315.3(TAF6):c.-41G>C

Gene: TAF6 (TATA-box binding protein associated factor 6; minus strand). Cytogenetic location: 7q22.1.
Variant type: single nucleotide variant.
Coding change: c.-41G>C on transcript NM_139315.3 (MANE Select); 41 bases upstream of the start codon, G replaced by C.
Molecular consequence: 5 prime UTR variant. On other transcripts: missense variant (2), non-coding transcript variant (1).
Genome position (GRCh38, 1-based): chr7:100,114,250, C>G on the plus strand (G>C on the coding strand, the complement: TAF6 is on the minus strand). VCF-style: chr7-100114250-C-G. GRCh37 (hg19) VCF-style: chr7-99711873-C-G.
Other names: c.71G>C, p.Arg24Pro (NM_001190415.2); c.-41G>C (NM_001364998.1, NM_001364999.1, NM_001365000.1 and 4 more transcripts); c.98G>C, p.Arg33Pro (NM_001365004.1); short protein forms R24P, R33P.
Identifiers: ClinVar variation 3045550 (VCV003045550.2), dbSNP rs909287240, ClinGen allele CA4375825.

ClinVar aggregate classification (germline): Likely benign (0 of 4 stars; one submission).

Conditions:
TAF6-related disorder. Also called: TAF6-related condition.

Allele frequency attached by ClinVar (database versions not stated): ExAC 0.00017.
gnomAD v4.1: 272 of 1,613,506 alleles (0.017%); highest among the groups gnomAD compares: Admixed American, 0.043%; no homozygotes.

Submission:

PreventionGenetics, part of Exact Sciences
Classification: Likely benign for TAF6-related condition. Last evaluated: 2022-07-21. Review status: no assertion criteria provided. Collection method: clinical testing. Allele origin: germline.
Comment: This variant is classified as likely benign based on ACMG/AMP sequence variant interpretation guidelines (Richards et al. 2015 PMID: 25741868, with internal and published modifications).